The following is an entry in ClinVar:

NM_145290.4(ADGRA3):c.1196G>T (p.Arg399Ile)

Gene: ADGRA3 (adhesion G protein-coupled receptor A3; minus strand). Cytogenetic location: 4p15.2.
Variant type: single nucleotide variant.
Coding change: c.1196G>T on transcript NM_145290.4 (MANE Select); coding-DNA position 1196, G replaced by T.
Protein change: p.Arg399Ile; replaces arginine 399 with isoleucine.
Molecular consequence: missense variant.
Genome position (GRCh38, 1-based): chr4:22,436,531, C>A on the plus strand (G>T on the coding strand, the complement: ADGRA3 is on the minus strand). VCF-style: chr4-22436531-C-A. GRCh37 (hg19) VCF-style: chr4-22438154-C-A.
Other names: short protein forms R399I.
Identifiers: ClinVar variation 1008067 (VCV001008067.8), dbSNP rs770852914, ClinGen allele CA2874017.

ClinVar aggregate classification (germline): Uncertain significance (1 of 4 stars; one submission).

Allele frequency attached by ClinVar (database versions not stated): gnomAD 0.00001 and 0.00002; gnomAD exomes 0.00001 and 0.00002; TOPMed 0.00002; ExAC 0.00003.
gnomAD v4.1: 19 of 1,613,620 alleles (0.0012%); highest among the groups gnomAD compares: Admixed American, 0.0017%; no homozygotes.

Submission:

Labcorp Genetics (formerly Invitae), Labcorp
Classification: Uncertain significance. Last evaluated: 2022-02-08. Review status: criteria provided, single submitter. Criteria: Invitae Variant Classification Sherloc (09022015). Collection method: clinical testing. Allele origin: germline.
Comment: Algorithms developed to predict the effect of missense changes on protein structure and function are either unavailable or do not agree on the potential impact of this missense change (SIFT: "Deleterious"; PolyPhen-2: "Benign"; Align-GVGD: "Class C0"). ClinVar contains an entry for this variant (Variation ID: 1008067). This variant has not been reported in the literature in individuals affected with ADGRA3-related conditions. This variant is present in population databases (rs770852914, gnomAD 0.01%). This sequence change replaces arginine, which is basic and polar, with isoleucine, which is neutral and non-polar, at codon 399 of the ADGRA3 protein (p.Arg399Ile). In summary, the available evidence is currently insufficient to determine the role of this variant in disease. Therefore, it has been classified as a Variant of Uncertain Significance.